The following is an entry in ClinVar:

NM_001184880.2(PCDH19):c.653G>T (p.Arg218Leu)

Gene: PCDH19 (protocadherin 19; minus strand). Cytogenetic location: Xq22.1.
Variant type: single nucleotide variant.
Coding change: c.653G>T on transcript NM_001184880.2 (MANE Select); coding-DNA position 653, G replaced by T.
Protein change: p.Arg218Leu; replaces arginine 218 with leucine.
Molecular consequence: missense variant.
Genome position (GRCh38, 1-based): chrX:100,407,945, C>A on the plus strand (G>T on the coding strand, the complement: PCDH19 is on the minus strand). VCF-style: chrX-100407945-C-A. GRCh37 (hg19) VCF-style: chrX-99662943-C-A.
Other names: c.653G>T, p.Arg218Leu (NM_001105243.2, NM_020766.3); short protein forms R218L.
Identifiers: ClinVar variation 4802173 (VCV004802173.1).

ClinVar aggregate classification (germline): Uncertain significance (1 of 4 stars; one submission).

Conditions:
Developmental and epileptic encephalopathy, 9 (DEE9). Also called: Early infantile epileptic encephalopathy 9; EPILEPSY, FEMALE-RESTRICTED, WITH MENTAL RETARDATION; JUBERG-HELLMAN SYNDROME; PCDH19-Related X-Linked Female-Limited Epilepsy with Mental Retardation. Identifiers: Orphanet 101039, Orphanet 2076, MedGen C1848137, MONDO:0010246, OMIM 300088. Disease mechanism: loss of function.

Submission:

Labcorp Genetics (formerly Invitae), Labcorp
Classification: Uncertain significance for Developmental and epileptic encephalopathy, 9. Last evaluated: 2025-07-01. Review status: criteria provided, single submitter. Criteria: Invitae Variant Classification Sherloc (09022015). Collection method: clinical testing. Allele origin: germline.
Comment: This sequence change replaces arginine, which is basic and polar, with leucine, which is neutral and non-polar, at codon 218 of the PCDH19 protein (p.Arg218Leu). This variant is not present in population databases (gnomAD no frequency). This variant has not been reported in the literature in individuals affected with PCDH19-related conditions. Invitae Evidence Modeling of protein sequence and biophysical properties (such as structural, functional, and spatial information, amino acid conservation, physicochemical variation, residue mobility, and thermodynamic stability) indicates that this missense variant is not expected to disrupt PCDH19 protein function with a negative predictive value of 95%. In summary, the available evidence is currently insufficient to determine the role of this variant in disease. Therefore, it has been classified as a Variant of Uncertain Significance.